The following is an entry in ClinVar:

ClinVar aggregate classification (germline): Pathogenic (1 of 4 stars; one submission).

Conditions:
Rhabdoid tumor predisposition syndrome 1 (RTPS1). Also called: Familial Posterior Fossa Brain Tumor of Infancy. Identifiers: Orphanet 231108, Orphanet 69077, MedGen C1836327, MONDO:0012252, OMIM 609322.

Submission:

St. Jude Molecular Pathology, St. Jude Children's Research Hospital
Classification: Pathogenic for Rhabdoid tumor predisposition syndrome 1. Last evaluated: 2024-12-08. Review status: criteria provided, single submitter. Criteria: St. Jude Assertion Criteria 2020. Collection method: clinical testing. Allele origin: germline.
Comment: The SMARCB1 c.40_46dup (p.Lys16ThrfsTer57) change duplicates seven nucleotides to cause a frameshift and the creation of a premature stop codon. This change is predicted to cause protein truncation or absence of protein due to nonsense-mediated decay. This variant is also absent in gnomAD v2.1.1. In summary, this variant meets criteria to be classified as pathogenic.

NM_003073.5(SMARCB1):c.40_46dup (p.Lys16fs)

Gene: SMARCB1 (SWI/SNF related BAF chromatin remodeling complex subunit B1; plus strand). Cytogenetic location: 22q11.23.
Variant type: Duplication.
Coding change: c.40_46dup on transcript NM_003073.5 (MANE Select); coding-DNA positions 40 to 46, 7 bases duplicated (CCCGTGA; older notation c.40_46dupCCCGTGA).
Protein change: p.Lys16fs; shifts the reading frame from lysine 16.
Molecular consequence: frameshift variant.
Genome position (GRCh38, 1-based): chr22:23,787,209-23,787,215, CCCGTGA duplicated. VCF-style (leftmost placement, unchanged base first): chr22-23787208-G-GCCCGTGA. GRCh37 (hg19) VCF-style: chr22-24129395-G-GCCCGTGA.
Other names: c.40_46dup, p.Lys16fs (NM_001007468.3, NM_001317946.2, NM_001362877.2); short protein forms K16fs.
Identifiers: ClinVar variation 3602708 (VCV003602708.1).
Genomic context (GRCh38, chr22:23,787,208, plus strand): 5'-GCCGCCCGCCTCTGCCGCCGCAATGATGATGATGGCGCTGAGCAAGACCTTCGGGCAGAA[G>GCCCGTGA]CCCGTGAAGTTCCAGCTGGAGGACGACGGCGAGTTCTACATGATCGGCTCCGAGGTAGCC-3'